The following is an entry in ClinVar:

ClinVar aggregate classification (germline): Pathogenic (1 of 4 stars; one submission).

Conditions:
Developmental and epileptic encephalopathy, 9 (DEE9). Also called: Early infantile epileptic encephalopathy 9; EPILEPSY, FEMALE-RESTRICTED, WITH MENTAL RETARDATION; PCDH19-Related X-Linked Female-Limited Epilepsy with Mental Retardation; JUBERG-HELLMAN SYNDROME. Identifiers: Orphanet 101039, Orphanet 2076, MedGen C1848137, MONDO:0010246, OMIM 300088. Disease mechanism: loss of function.

Submission:

Labcorp Genetics (formerly Invitae), Labcorp
Classification: Pathogenic for Developmental and epileptic encephalopathy, 9. Last evaluated: 2023-04-14. Review status: criteria provided, single submitter. Criteria: Invitae Variant Classification Sherloc (09022015). Collection method: clinical testing. Allele origin: germline.
Comment: This variant is not present in population databases (gnomAD no frequency). This sequence change creates a premature translational stop signal (p.Ser487Argfs*82) in the PCDH19 gene. It is expected to result in an absent or disrupted protein product. Loss-of-function variants in PCDH19 are known to be pathogenic (PMID: 21053371). This variant has not been reported in the literature in individuals affected with PCDH19-related conditions. For these reasons, this variant has been classified as Pathogenic. ClinVar contains an entry for this variant (Variation ID: 1993211).

Literature cited by the submitters: PubMed 21053371.

NM_001184880.2(PCDH19):c.1461del (p.Ser487fs)

Gene: PCDH19 (protocadherin 19; minus strand). Cytogenetic location: Xq22.1.
Variant type: Deletion.
Coding change: c.1461del on transcript NM_001184880.2 (MANE Select); coding-DNA position 1461, one base deleted (T; older notation c.1461delT).
Protein change: p.Ser487fs; shifts the reading frame from serine 487.
Molecular consequence: frameshift variant.
Genome position (GRCh38, 1-based): chrX:100,407,137, A deleted on the plus strand (T on the coding strand, the reverse complement: PCDH19 is on the minus strand). VCF-style (leftmost placement, unchanged base first): chrX-100407136-CA-C. GRCh37 (hg19) VCF-style: chrX-99662134-CA-C.
Other names: c.1461del, p.Ser487fs (NM_001105243.2, NM_020766.3); short protein forms S487fs.
Identifiers: ClinVar variation 1993211 (VCV001993211.4), dbSNP rs2520982008, ClinGen allele CA2580100137.
Genomic context (GRCh38, chrX:100,407,136, plus strand): 5'-TGGAGACATAGGTGAAGACAGGCATGTCCCGCACCTGCGACGGCACGATCTGGTAGGAGA[CA>C]CTGCCGTTGAGACCCAGGTCGGGGTCGCGAGCAGACACAGAGAGCAGATAGGCGCCAGGC-3'